The following is an entry in ClinVar:

ClinVar aggregate classification (germline): Pathogenic (1 of 4 stars; one submission).

Conditions:
Torsion dystonia 6 (DYT6). Also called: DYT-THAP1. Identifiers: Orphanet 98806, MedGen C1414216, MONDO:0011264, OMIM 602629.

Submission:

Labcorp Genetics (formerly Invitae), Labcorp
Classification: Pathogenic for Torsion dystonia 6. Last evaluated: 2021-03-15. Review status: criteria provided, single submitter. Criteria: Invitae Variant Classification Sherloc (09022015). Collection method: clinical testing. Allele origin: germline.
Comment: This variant is not present in population databases (ExAC no frequency). Disruption of the initiator codon has been observed in individual(s) with dystonia (PMID: 20925076, 19345147, 26486352). It has also been observed to segregate with disease in related individuals. Algorithms developed to predict the effect of sequence changes on RNA splicing suggest that this variant may create or strengthen a splice site, but this prediction has not been confirmed by published transcriptional studies. For these reasons, this variant has been classified as Pathogenic. This sequence change affects the initiator methionine of the THAP1 mRNA. The next in-frame methionine is located at codon 120.

Literature cited by the submitters: PubMed 20925076; PubMed 19345147; PubMed 26486352.

NM_018105.3(THAP1):c.1A>T (p.Met1Leu)

Gene: THAP1 (THAP domain containing 1; minus strand). Cytogenetic location: 8p11.21.
Variant type: single nucleotide variant.
Coding change: c.1A>T on transcript NM_018105.3 (MANE Select); coding-DNA position 1, A replaced by T.
Protein change: p.Met1Leu; changes the start codon (methionine 1).
Molecular consequence: missense variant, initiator codon variant.
Genome position (GRCh38, 1-based): chr8:42,843,094, T>A on the plus strand (A>T on the coding strand, the complement: THAP1 is on the minus strand). VCF-style: chr8-42843094-T-A. GRCh37 (hg19) VCF-style: chr8-42698237-T-A.
Other names: c.1A>T, p.Met1Leu (NM_199003.2); short protein forms M1L.
Identifiers: ClinVar variation 1405735 (VCV001405735.8), dbSNP rs2128919290, ClinGen allele CA371109578.